The following is an entry in ClinVar:

ClinVar aggregate classification (germline): Likely benign. Review status: criteria provided, multiple submitters, no conflicts (2 of 4 stars). 3 submissions from 3 submitters: Likely benign (3). Last evaluated 2024-05-19.

Conditions:
Ehlers-Danlos syndrome, classic type, 1 (EDSCL1). Also called: Ehlers-Danlos Syndrome, Classic Type, COL5A1-Related; EDS I; Ehlers-Danlos syndrome, type 1; EHLERS-DANLOS SYNDROME, GRAVIS TYPE; EHLERS-DANLOS SYNDROME, SEVERE CLASSIC TYPE. Identifiers: MedGen C0268335, MONDO:0019567, OMIM 130000.
Ehlers-Danlos syndrome, classic type, 2 (EDSCL2). Also called: Ehlers-Danlos Syndrome, Classic Type, COL5A2-Related; Ehlers-Danlos syndrome, type 2; Ehlers-Danlos syndrome type 2 (formerly). Identifiers: Orphanet 287, Orphanet 90318, MedGen C0268336, MONDO:0019568, OMIM 130010.

Submissions (3):

Labcorp Genetics (formerly Invitae), Labcorp
Classification: Likely benign for Ehlers-Danlos syndrome, classic type, 1. Last evaluated: 2024-05-19. Review status: criteria provided, single submitter. Criteria: Invitae Variant Classification Sherloc (09022015). Collection method: clinical testing. Allele origin: germline.

ARUP Laboratories, Molecular Genetics and Genomics, ARUP Laboratories
Classification: Likely benign for Ehlers-Danlos syndrome, classic type, 2. Last evaluated: 2019-04-12. Review status: criteria provided, single submitter. Criteria: ARUP Molecular Germline Variant Investigation Process. Collection method: clinical testing. Allele origin: germline.

GeneDx
Classification: Likely benign. Last evaluated: 2017-11-22. Review status: criteria provided, single submitter. Criteria: GeneDx Variant Classification (06012015). Collection method: clinical testing. Allele origin: germline. Affected: yes.
Comment: This variant is considered likely benign or benign based on one or more of the following criteria: it is a conservative change, it occurs at a poorly conserved position in the protein, it is predicted to be benign by multiple in silico algorithms, and/or has population frequency not consistent with disease.

NM_000393.5(COL5A2):c.4114-18_4114-17del

Gene: COL5A2 (collagen type V alpha 2 chain; minus strand). Cytogenetic location: 2q32.2.
Variant type: Deletion.
Coding change: c.4114-18_4114-17del on transcript NM_000393.5 (MANE Select); 18 bases into the intron before coding-DNA position 4114 through 17 bases into the intron before coding-DNA position 4114, 2 bases deleted (GA; older notation c.4114-18_4114-17delGA).
Molecular consequence: intron variant.
Genome position (GRCh38, 1-based): chr2:189,035,172-189,035,173, TC deleted on the plus strand (GA on the coding strand, the reverse complement: COL5A2 is on the minus strand); deleting any 2 consecutive bases within chr2:189,035,172-189,035,174 gives the same sequence; the c. name uses the placement nearest the transcript's 3' end. VCF-style (leftmost placement, unchanged base first): chr2-189035171-GTC-G. GRCh37 (hg19) VCF-style: chr2-189899897-GTC-G.
Other names: c.4114-19_4114-18delAG (NM_000393.3).
Identifiers: ClinVar variation 513670 (VCV000513670.12), dbSNP rs1440458273, ClinGen allele CA658796129.